The following is an entry in ClinVar:

NM_001130004.2(ACTN1):c.935A>G (p.Lys312Arg)

Gene: ACTN1 (actinin alpha 1; minus strand). Cytogenetic location: 14q24.1.
Variant type: single nucleotide variant.
Coding change: c.935A>G on transcript NM_001130004.2 (MANE Select); coding-DNA position 935, A replaced by G.
Protein change: p.Lys312Arg; replaces lysine 312 with arginine.
Molecular consequence: missense variant.
Genome position (GRCh38, 1-based): chr14:68,892,204, T>C on the plus strand (A>G on the coding strand, the complement: ACTN1 is on the minus strand). VCF-style: chr14-68892204-T-C. GRCh37 (hg19) VCF-style: chr14-69358921-T-C.
Other names: c.935A>G, p.Lys312Arg (NM_001102.4, NM_001130005.2, NM_001411035.1); c.740A>G, p.Lys247Arg (NM_001411036.1); short protein forms K247R, K312R.
Identifiers: ClinVar variation 2281490 (VCV002281490.4), dbSNP rs1352973387, ClinGen allele CA390188634.
Genomic context (GRCh38, chr14:68,892,204, plus strand): 5'-CACTTCTCCTGCACCTTGGGCGGCTTGTGCAGGCGCCGGTAGTCCCGGAAGTCCTCCAGC[T>C]TCTGTTGCATGGCATGCATGGTGTTCTCGGGCACCCGGTTCTCCAGCCACGGGATTGTGC-3'
Protein context (NP_001123476.1, residues 302-322): PENTMHAMQQ[Lys312Arg]LEDFRDYRRL

ClinVar aggregate classification (germline): Uncertain significance. Review status: criteria provided, multiple submitters, no conflicts (2 of 4 stars). 2 submissions from 2 submitters: Uncertain significance (2). Last evaluated 2025-11-12.

Conditions:
Inborn genetic diseases. Identifiers: MedGen C0950123, MeSH D030342.

Allele frequency attached by ClinVar (database versions not stated): gnomAD exomes below 0.00001; TOPMed below 0.00001.
gnomAD v4.1: 8 of 1,614,186 alleles (0.0005%); highest among the groups gnomAD compares: Non-Finnish European, 0.00051%; no homozygotes.

Submissions (2):

Ambry Genetics
Classification: Uncertain significance for Inborn genetic diseases. Last evaluated: 2025-11-12. Review status: criteria provided, single submitter. Criteria: Ambry Variant Classification Scheme 2023. Collection method: clinical testing. Allele origin: germline.

Labcorp Genetics (formerly Invitae), Labcorp
Classification: Uncertain significance. Last evaluated: 2025-07-08. Review status: criteria provided, single submitter. Criteria: Invitae Variant Classification Sherloc (09022015). Collection method: clinical testing. Allele origin: germline.
Comment: This sequence change replaces lysine, which is basic and polar, with arginine, which is basic and polar, at codon 312 of the ACTN1 protein (p.Lys312Arg). This variant is present in population databases (no rsID available, gnomAD 0.0009%). This variant has not been reported in the literature in individuals affected with ACTN1-related conditions. ClinVar contains an entry for this variant (Variation ID: 2281490). Invitae Evidence Modeling of protein sequence and biophysical properties (such as structural, functional, and spatial information, amino acid conservation, physicochemical variation, residue mobility, and thermodynamic stability) indicates that this missense variant is not expected to disrupt ACTN1 protein function with a negative predictive value of 80%. In summary, the available evidence is currently insufficient to determine the role of this variant in disease. Therefore, it has been classified as a Variant of Uncertain Significance.